The following is an entry in ClinVar:

NM_001127222.2(CACNA1A):c.5141G>A (p.Gly1714Asp)

Gene: CACNA1A (calcium voltage-gated channel subunit alpha1 A; minus strand). Cytogenetic location: 19p13.13.
Variant type: single nucleotide variant.
Coding change: c.5141G>A on transcript NM_001127222.2 (MANE Select); coding-DNA position 5141, G replaced by A.
Protein change: p.Gly1714Asp; replaces glycine 1714 with aspartic acid.
Molecular consequence: missense variant.
Genome position (GRCh38, 1-based): chr19:13,235,029, C>T on the plus strand (G>A on the coding strand, the complement: CACNA1A is on the minus strand). VCF-style: chr19-13235029-C-T. GRCh37 (hg19) VCF-style: chr19-13345843-C-T.
Other names: c.5159G>A, p.Gly1720Asp (NM_000068.4, NM_023035.3); c.5144G>A, p.Gly1715Asp (NM_001127221.2); c.5150G>A, p.Gly1717Asp (NM_001174080.2); short protein forms G1717D, G1720D, G1714D, G1715D.
Identifiers: ClinVar variation 2684118 (VCV002684118.1), dbSNP rs2512644072, ClinGen allele CA404335765.
Genomic context (GRCh38, chr19:13,235,029, plus strand): 5'-TCAGTGATTTGGAACTCATCTTCATCACTGTCCTCGTCCTCCACGTCGATGCCAATGTTA[C>T]CAAACACCTGTGGAATTGGAGGGTGACGACCAGGGGCTGCCATTCCTCCAGTGGCTTCTG-3'
Protein context (NP_001120694.1, residues 1704-1724): IYAIIGMQVF[Gly1714Asp]NIGIDVEDED

ClinVar aggregate classification (germline): Uncertain significance (1 of 4 stars; one submission).

Submission:

Athena Diagnostics
Classification: Uncertain significance. Last evaluated: 2023-08-14. Review status: criteria provided, single submitter. Criteria: Athena Diagnostics Criteria. Collection method: clinical testing. Allele origin: unknown.
Comment: Available data are insufficient to determine the clinical significance of the variant at this time. This variant has not been reported in large, multi-ethnic general populations. Computational tools predict that this variant is damaging.